The following is an entry in ClinVar:

NM_001375905.1(SGMS2):c.20C>A (p.Ala7Glu)

Genes: CYP2U1-AS1 (CYP2U1 and SGMS2 antisense RNA 1; minus strand), SGMS2 (sphingomyelin synthase 2; plus strand). Cytogenetic location: 4q25.
Variant type: single nucleotide variant.
Coding change: c.20C>A on transcript NM_001375905.1 (MANE Select); coding-DNA position 20, C replaced by A.
Protein change: p.Ala7Glu; replaces alanine 7 with glutamic acid.
Molecular consequence: missense variant. On other transcripts: intron variant (1).
Genome position (GRCh38, 1-based): chr4:107,895,573, C>A. VCF-style: chr4-107895573-C-A. GRCh37 (hg19) VCF-style: chr4-108816729-C-A.
Other names: c.20C>A, p.Ala7Glu (NM_001136257.2, NM_001136258.2, NM_001375906.1 and 4 more transcripts); c.-64-4002C>A (NM_001375911.1); short protein forms A7E.
Identifiers: ClinVar variation 1491911 (VCV001491911.6), dbSNP rs1730596212, ClinGen allele CA357834287.

ClinVar aggregate classification (germline): Uncertain significance (1 of 4 stars; one submission).

Allele frequency attached by ClinVar (database versions not stated): TOPMed below 0.00001; gnomAD exomes below 0.00001.
gnomAD v4.1: 3 of 1,613,534 alleles (0.00019%); highest among the groups gnomAD compares: Non-Finnish European, 0.000085%; no homozygotes.

Submission:

Labcorp Genetics (formerly Invitae), Labcorp
Classification: Uncertain significance. Last evaluated: 2025-03-31. Review status: criteria provided, single submitter. Criteria: Invitae Variant Classification Sherloc (09022015). Collection method: clinical testing. Allele origin: germline.
Comment: This sequence change replaces alanine, which is neutral and non-polar, with glutamic acid, which is acidic and polar, at codon 7 of the SGMS2 protein (p.Ala7Glu). This variant is not present in population databases (gnomAD no frequency). This variant has not been reported in the literature in individuals affected with SGMS2-related conditions. ClinVar contains an entry for this variant (Variation ID: 1491911). An algorithm developed to predict the effect of missense changes on protein structure and function (PolyPhen-2) suggests that this variant is likely to be tolerated. In summary, the available evidence is currently insufficient to determine the role of this variant in disease. Therefore, it has been classified as a Variant of Uncertain Significance.